The following is an entry in ClinVar:

NM_001363711.2(DUOX2):c.1981C>T (p.Pro661Ser)

Gene: DUOX2 (dual oxidase 2; minus strand). Cytogenetic location: 15q21.1.
Variant type: single nucleotide variant.
Coding change: c.1981C>T on transcript NM_001363711.2 (MANE Select); coding-DNA position 1981, C replaced by T.
Protein change: p.Pro661Ser; replaces proline 661 with serine.
Molecular consequence: missense variant.
Genome position (GRCh38, 1-based): chr15:45,106,292, G>A on the plus strand (C>T on the coding strand, the complement: DUOX2 is on the minus strand). VCF-style: chr15-45106292-G-A. GRCh37 (hg19) VCF-style: chr15-45398490-G-A.
Other names: c.1981C>T, p.Pro661Ser (NM_014080.5); short protein forms P661S.
Identifiers: ClinVar variation 2108752 (VCV002108752.4), dbSNP rs1894212270, ClinGen allele CA392273391.
Genomic context (GRCh38, chr15:45,106,292, plus strand): 5'-CAGTGAGATGCCTGTTCAGGACCTGCAGACACCTGTCTGACAGCAGCTGGATGATGATGG[G>A]ACTGCTCCTCTCCTTGGGGCCTGGCCACTCCATCGCTGGGGAAGGGATAATTGGGCCGGG-3'
Protein context (NP_001350640.1, residues 651-671): EWPGPKERSS[Pro661Ser]IIIQLLSDRC

ClinVar aggregate classification (germline): Uncertain significance (1 of 4 stars; one submission).

Submission:

Labcorp Genetics (formerly Invitae), Labcorp
Classification: Uncertain significance. Last evaluated: 2022-03-11. Review status: criteria provided, single submitter. Criteria: Invitae Variant Classification Sherloc (09022015). Collection method: clinical testing. Allele origin: germline.
Comment: Advanced modeling of protein sequence and biophysical properties (such as structural, functional, and spatial information, amino acid conservation, physicochemical variation, residue mobility, and thermodynamic stability) performed at Invitae indicates that this missense variant is not expected to disrupt DUOX2 protein function. In summary, the available evidence is currently insufficient to determine the role of this variant in disease. Therefore, it has been classified as a Variant of Uncertain Significance. This sequence change replaces proline, which is neutral and non-polar, with serine, which is neutral and polar, at codon 661 of the DUOX2 protein (p.Pro661Ser). This variant is not present in population databases (gnomAD no frequency). This variant has not been reported in the literature in individuals affected with DUOX2-related conditions.